The following is an entry in ClinVar:

ClinVar aggregate classification (germline): Uncertain significance (1 of 4 stars; one submission).

Submission:

Labcorp Genetics (formerly Invitae), Labcorp
Classification: Uncertain significance. Last evaluated: 2025-01-14. Review status: criteria provided, single submitter. Criteria: Invitae Variant Classification Sherloc (09022015). Collection method: clinical testing. Allele origin: germline.
Comment: This sequence change replaces serine, which is neutral and polar, with tyrosine, which is neutral and polar, at codon 704 of the ARHGEF1 protein (p.Ser704Tyr). This variant is not present in population databases (gnomAD no frequency). This variant has not been reported in the literature in individuals affected with ARHGEF1-related conditions. An algorithm developed to predict the effect of missense changes on protein structure and function (PolyPhen-2) suggests that this variant is likely to be disruptive. In summary, the available evidence is currently insufficient to determine the role of this variant in disease. Therefore, it has been classified as a Variant of Uncertain Significance.

NM_004706.4(ARHGEF1):c.2066C>A (p.Ser689Tyr)

Gene: ARHGEF1 (Rho guanine nucleotide exchange factor 1; plus strand). Cytogenetic location: 19q13.2.
Variant type: single nucleotide variant.
Coding change: c.2066C>A on transcript NM_004706.4 (MANE Select); coding-DNA position 2066, C replaced by A.
Protein change: p.Ser689Tyr; replaces serine 689 with tyrosine.
Molecular consequence: missense variant. On other transcripts: non-coding transcript variant (2).
Genome position (GRCh38, 1-based): chr19:41,904,288, C>A. VCF-style: chr19-41904288-C-A. GRCh37 (hg19) VCF-style: chr19-42408440-C-A.
Other names: c.2234C>A, p.Ser745Tyr (NM_001396000.1); c.1967C>A, p.Ser656Tyr (NM_001396002.1, NM_001396004.1, NM_198977.2); c.2066C>A, p.Ser689Tyr (NM_001396003.1, NM_001396006.1); c.2111C>A, p.Ser704Tyr (NM_199002.2); short protein forms S745Y, S656Y, S689Y, S704Y.
Identifiers: ClinVar variation 3656267 (VCV003656267.2).